The following is an entry in ClinVar:

NM_005845.5(ABCC4):c.3871-5dup

Gene: ABCC4 (ATP binding cassette subfamily C member 4 (PEL blood group); minus strand). Cytogenetic location: 13q32.1.
Variant type: Duplication.
Coding change: c.3871-5dup on transcript NM_005845.5 (MANE Select); 5 bases into the intron before coding-DNA position 3871, one base duplicated (T; older notation c.3871-5dupT).
Molecular consequence: intron variant.
Genome position (GRCh38, 1-based): chr13:95,021,687, A duplicated on the plus strand (T on the coding strand, the reverse complement: ABCC4 is on the minus strand); the first of 10 consecutive A bases (chr13:95,021,687-95,021,696); duplicating any one gives the same sequence. VCF-style (leftmost placement, unchanged base first): chr13-95021686-G-GA. GRCh37 (hg19) VCF-style: chr13-95673940-G-GA.
Other names: c.3730-5dup (NM_001301829.2).
Identifiers: ClinVar variation 3059729 (VCV003059729.2), dbSNP rs4148550, ClinGen allele CA7018762.

ClinVar aggregate classification (germline): Likely benign (0 of 4 stars; one submission).

Conditions:
ABCC4-related disorder. Also called: ABCC4-related condition.

Submission:

PreventionGenetics, part of Exact Sciences
Classification: Likely benign for ABCC4-related condition. Last evaluated: 2024-02-12. Review status: no assertion criteria provided. Collection method: clinical testing. Allele origin: germline.
Comment: This variant is classified as likely benign based on ACMG/AMP sequence variant interpretation guidelines (Richards et al. 2015 PMID: 25741868, with internal and published modifications).